The following is an entry in ClinVar:

NM_018100.4(EFHC1):c.1855A>C (p.Ile619Leu)

Gene: EFHC1 (EF-hand domain containing 1; plus strand). Cytogenetic location: 6p12.2.
Variant type: single nucleotide variant.
Coding change: c.1855A>C on transcript NM_018100.4 (MANE Select); coding-DNA position 1855, A replaced by C.
Protein change: p.Ile619Leu; replaces isoleucine 619 with leucine.
Molecular consequence: missense variant. On other transcripts: non-coding transcript variant (1).
Genome position (GRCh38, 1-based): chr6:52,492,273, A>C. VCF-style: chr6-52492273-A-C. GRCh37 (hg19) VCF-style: chr6-52357071-A-C.
Other names: c.1798A>C, p.Ile600Leu (NM_001172420.2); short protein forms I619L, I600L.
Identifiers: ClinVar variation 128966 (VCV000128966.22), dbSNP rs17851770, ClinGen allele CA152689.

ClinVar aggregate classification (germline): Benign/Likely benign. Review status: criteria provided, multiple submitters, no conflicts (2 of 4 stars). 6 submissions from 6 submitters: Benign (4); Likely benign (1). 1 of the submissions does not count toward it. Last evaluated 2026-01-26.

Conditions:
Absence seizure. Also called: Absence epilepsy. Identifiers: Orphanet 1941, MedGen C0014553.
Myoclonic epilepsy, juvenile, susceptibility to, 1. Also called: Myoclonic Epilepsy, Juvenile, 1; EJM1. Identifiers: MedGen C1850778, MONDO:0020752, OMIM 254770.
Juvenile myoclonic epilepsy (EJM). Also called: PETIT MAL, IMPULSIVE; JANZ SYNDROME. Identifiers: Orphanet 307, MedGen C0270853, MONDO:0009696.

Allele frequency attached by ClinVar (database versions not stated): 1000 Genomes Project 0.02416; 1000 Genomes Project 30x 0.02483; TOPMed 0.05389; gnomAD 0.06069 and 0.06310; gnomAD exomes 0.06195 and 0.08457; ExAC 0.06297; ESP Exome Variant Server 0.06697.
gnomAD v4.1: 132,272 of 1,613,132 alleles (8.2%); highest among the groups gnomAD compares: Non-Finnish European, 9.6%; 6,446 homozygotes.

Submissions (6):

Labcorp Genetics (formerly Invitae), Labcorp
Classification: Benign for Myoclonic epilepsy, juvenile, susceptibility to, 1; Absence seizure. Last evaluated: 2026-01-26. Review status: criteria provided, single submitter. Criteria: Invitae Variant Classification Sherloc (09022015). Collection method: clinical testing. Allele origin: germline.

Athena Diagnostics
Classification: Benign for Myoclonic epilepsy, juvenile, susceptibility to, 1. Last evaluated: 2017-04-28. Review status: criteria provided, single submitter. Criteria: Athena Diagnostics Criteria. Collection method: clinical testing. Allele origin: germline.

GeneDx
Classification: Benign. Last evaluated: 2015-03-03. Review status: criteria provided, single submitter. Criteria: GeneDx Variant Classification Process June 2021. Collection method: clinical testing. Allele origin: germline. Affected: yes.

Breakthrough Genomics
Classification: Likely benign. Review status: criteria provided, single submitter. Criteria: ACMG Guidelines, 2015. Collection method: not provided. Allele origin: germline. Inheritance: Autosomal dominant inheritance. Affected: yes.

PreventionGenetics, part of Exact Sciences
Classification: Benign. Review status: criteria provided, single submitter. Criteria: ACMG Guidelines, 2015. Collection method: clinical testing. Allele origin: germline.

Genetic Services Laboratory, University of Chicago
Classification: Likely benign for AllHighlyPenetrant. Review status: no assertion criteria provided. Collection method: clinical testing. Allele origin: germline. Not counted in ClinVar's aggregate classification.
Comment: Likely benign based on allele frequency in 1000 Genomes Project or ESP global frequency and its presence in a patient with a rare or unrelated disease phenotype. NOT Sanger confirmed.